The following is an entry in ClinVar:

ClinVar aggregate classification (germline): Uncertain significance (1 of 4 stars; one submission).

Conditions:
BCAP31-related disorder. Also called: BCAP31-related condition.

Submission:

PreventionGenetics, part of Exact Sciences
Classification: Uncertain significance for BCAP31-related condition. Last evaluated: 2026-09-10. Review status: criteria provided, single submitter. Criteria: ACMG Guidelines, 2015. Collection method: clinical testing. Allele origin: germline.
Comment: The BCAP31 c.122C>T variant is predicted to result in the amino acid substitution p.Ala41Val. To our knowledge, this variant has not been reported in the literature or in a large population database (gnomAD), indicating this variant is rare. At this time, the clinical significance of this variant is uncertain due to the absence of conclusive functional and genetic evidence.

NM_001256447.2(BCAP31):c.-44-255C>T

Gene: BCAP31 (B cell receptor associated protein 31; minus strand). Cytogenetic location: Xq28.
Variant type: single nucleotide variant.
Coding change: c.-44-255C>T on transcript NM_001256447.2 (MANE Select); 255 bases into the intron before 44 bases upstream of the start codon, C replaced by T.
Molecular consequence: intron variant. On other transcripts: missense variant (1).
Genome position (GRCh38, 1-based): chrX:153,723,543, G>A on the plus strand (C>T on the coding strand, the complement: BCAP31 is on the minus strand). VCF-style: chrX-153723543-G-A. GRCh37 (hg19) VCF-style: chrX-152988998-G-A.
Other names: c.122C>T, p.Ala41Val (NM_001139457.2); c.-44-255C>T (NM_005745.8, NM_001139441.1); short protein forms A41V.
Identifiers: ClinVar variation 4990444 (VCV004990444.1).